The following is an entry in ClinVar:

NM_001018005.2(TPM1):c.515T>C (p.Ile172Thr)

Gene: TPM1 (tropomyosin 1; plus strand). Cytogenetic location: 15q22.2.
Variant type: single nucleotide variant.
Coding change: c.515T>C on transcript NM_001018005.2 (MANE Select); coding-DNA position 515, T replaced by C.
Protein change: p.Ile172Thr; replaces isoleucine 172 with threonine.
Molecular consequence: missense variant.
Genome position (GRCh38, 1-based): chr15:63,060,891, T>C. VCF-style: chr15-63060891-T-C. GRCh37 (hg19) VCF-style: chr15-63353090-T-C.
Other names: p.I172T:ATT>ACT; c.515T>C, p.Ile172Thr (NM_000366.6, NM_001018004.2, NM_001018006.2 and 6 more transcripts); c.407T>C, p.Ile136Thr (NM_001018008.2, NM_001301289.2, NM_001330344.2 and 5 more transcripts); c.641T>C, p.Ile214Thr (NM_001365778.1); short protein forms I172T, I136T, I214T.
Identifiers: ClinVar variation 31879 (VCV000031879.18), dbSNP rs199476312, ClinGen allele CA018094.

ClinVar aggregate classification (germline): Conflicting classifications of pathogenicity. Review status: criteria provided, conflicting classifications (1 of 4 stars). 8 submissions from 8 submitters: Likely pathogenic (2); Uncertain significance (4). 2 of the submissions do not count toward it. Last evaluated 2025-11-27.

Conditions:
TPM1-related disorder. Also called: TPM1-related condition.
Cardiovascular phenotype. Identifiers: MedGen CN230736.
Hypertrophic cardiomyopathy 3. Also called: TPM1-Related Familial Hypertrophic Cardiomyopathy. Identifiers: MedGen C1861863, MONDO:0007267, OMIM 115196.
Primary familial hypertrophic cardiomyopathy (HCM). Identifiers: Orphanet 99739, MedGen C0949658, MeSH D024741, MONDO:0024573. Inheritance: Various modes of inheritance.
Hypertrophic cardiomyopathy. Also called: HYPERTROPHIC MYOCARDIOPATHY. Identifiers: Orphanet 217569, MedGen C0007194, MeSH D002312, MONDO:0005045, HP:0001639.

Allele frequency attached by ClinVar (database versions not stated): ExAC 0.00001; ESP Exome Variant Server 0.00008; gnomAD exomes below 0.00001.
gnomAD v4.1: 4 of 1,614,210 alleles (0.00025%); highest among the groups gnomAD compares: South Asian, 0.0011%; no homozygotes.

Submissions (8):

Labcorp Genetics (formerly Invitae), Labcorp
Classification: Uncertain significance for Hypertrophic cardiomyopathy. Last evaluated: 2025-11-27. Review status: criteria provided, single submitter. Criteria: Invitae Variant Classification Sherloc (09022015). Collection method: clinical testing. Allele origin: germline.
Comment: This sequence change replaces isoleucine, which is neutral and non-polar, with threonine, which is neutral and polar, at codon 172 of the TPM1 protein (p.Ile172Thr). This variant is not present in population databases (gnomAD no frequency). This missense change has been observed in individual(s) with hypertrophic cardiomyopathy (PMID: 12860912, 15519027, 33673806). ClinVar contains an entry for this variant (Variation ID: 31879). An algorithm developed to predict the effect of missense changes on protein structure and function (PolyPhen-2) suggests that this variant is likely to be disruptive. Experimental studies are conflicting or provide insufficient evidence to determine the effect of this variant on TPM1 function (PMID: 25548289, 27983818). In summary, the available evidence is currently insufficient to determine the role of this variant in disease. Therefore, it has been classified as a Variant of Uncertain Significance.

3billion
Classification: Uncertain significance for Hypertrophic cardiomyopathy 3. Last evaluated: 2025-06-04. Review status: criteria provided, single submitter. Criteria: ACMG Guidelines, 2015. Collection method: clinical testing. Allele origin: germline. Affected: yes.
Comment: The variant is observed at an extremely low frequency in the gnomAD v4.1.0 dataset (total allele frequency: <0.001%). Predicted Consequence/Location: Missense variant In silico tool predictions suggest damaging effect of the variant on gene or gene product [REVEL: 0.80 (>=0.6, sensitivity 0.68 and specificity 0.92); 3Cnet: 1.00 (> 0.75, sensitivity 0.96 and precision 0.92)]. The same nucleotide change resulting in the same amino acid change has been previously reported to be associated with TPM1-related disorder (ClinVar ID: VCV000031879 /PMID: 12860912). However, the evidence of pathogenicity is insufficient at this time. Therefore, this variant is classified as VUS according to the recommendation of ACMG/AMP guideline.

All of Us Research Program, National Institutes of Health
Classification: Uncertain significance for Hypertrophic cardiomyopathy. Last evaluated: 2023-06-15. Review status: criteria provided, single submitter. Criteria: ACMG Guidelines, 2015. Collection method: clinical testing. Allele origin: germline. Inheritance: Autosomal dominant inheritance. Observed: 1 variant allele, 1 heterozygote.
Comment: This variant has been reported in multiple individuals with hypertrophic cardiomyopathy (PMID: 33673806, 33495597, 23299917, 33495596, 33673806, 12860912, 15519027). This variant is present in 1/251434 total alleles in the Genome Aggregation Database. This variant is predicted to be deleterious by in silico analysis. Functional studies suggest that this variant may result in a mild phenotype; however, additional studies are needed (PMID: 25548289, 27983818).

This study involves interpretation of variants in research participants for the purpose of population health screening. Participant phenotype was not available at the time of variant classification. Additional details can be found in publication PMID: 35346344, PMCID: PMC8962531

Molecular Diagnostic Laboratory for Inherited Cardiovascular Disease, Montreal Heart Institute
Classification: Likely pathogenic for Cardiovascular phenotype. Last evaluated: 2021-01-26. Review status: criteria provided, single submitter. Criteria: ACMG Guidelines, 2015. Collection method: clinical testing. Allele origin: germline. Affected: yes.

GeneDx
Classification: Uncertain significance. Last evaluated: 2018-05-31. Review status: criteria provided, single submitter. Criteria: GeneDx Variant Classification (06012015). Collection method: clinical testing. Allele origin: germline. Affected: yes.
Comment: A variant of uncertain significance has been identified in the TPM1 gene. The I172T variant was reported as novel in one patient with HCM and a family history of HCM as well as sudden cardiac death (Van Driest et al., 2003). However, this study cohort was screened only for thin filament variants. Subsequently, Van Driest et al. (2004) reported I172T in an individual with HCM who also harbored an MYBPC3 variant, presumably the same patient from the 2003 study due to cohort overlap. Additionally, one functional study suggests that this variant does not impact protein function (Gupte et al., 2015), whereas a more recent functional study suggests this variant may lead to a milder phenotype (Matyushenko et al., 2017). Nevertheless, the I172T variant is not observed in large population cohorts (Lek et al., 2016). This variant is a non-conservative amino acid substitution, which is likely to impact secondary protein structure as these residues differ in polarity, charge, size and/or other properties. Finally, in-silico analyses, including protein predictors and evolutionary conservation, support a deleterious effect. Therefore, based on the currently available information, it is unclear whether this variant is pathogenic or rare benign.

Blueprint Genetics
Classification: Likely pathogenic for TPM1-related disorders. Last evaluated: 2017-11-02. Review status: criteria provided, single submitter. Criteria: ACMG Guidelines, 2015. Collection method: clinical testing. Allele origin: germline. Affected: yes. Observed: 1 variant allele.

CSER _CC_NCGL, University of Washington
Classification: Uncertain significance for Cardiomyopathy, hypertrophic. Last evaluated: 2014-06-01. Review status: no assertion criteria provided. Collection method: research. Allele origin: germline. Inheritance: Autosomal dominant inheritance. Study: ESP 6500 variant annotation. Not counted in ClinVar's aggregate classification.
Comment: Variants classified for the Actionable exomic incidental findings in 6503 participants: challenges of variant classification manuscript

Leiden Muscular Dystrophy (TPM1)
No classification provided. Last evaluated: 2012-04-15. Review status: no classification provided. Collection method: curation. Allele origin: germline. Not counted in ClinVar's aggregate classification.

Literature cited by the submitters: PubMed 12860912 (cited by 3 submitters); PubMed 15519027 (cited by Labcorp Genetics (formerly Invitae), Labcorp and All of Us Research Program, National Institutes of Health); PubMed 33673806 (cited by Labcorp Genetics (formerly Invitae), Labcorp and All of Us Research Program, National Institutes of Health); PubMed 25548289 (cited by Labcorp Genetics (formerly Invitae), Labcorp and All of Us Research Program, National Institutes of Health); PubMed 27983818 (cited by Labcorp Genetics (formerly Invitae), Labcorp and All of Us Research Program, National Institutes of Health); PubMed 23299917 (cited by All of Us Research Program, National Institutes of Health); PubMed 33495596 (cited by All of Us Research Program, National Institutes of Health); PubMed 33495597 (cited by All of Us Research Program, National Institutes of Health).